The following is an entry in ClinVar:

ClinVar aggregate classification (germline): Uncertain significance. Review status: criteria provided, multiple submitters, no conflicts (2 of 4 stars). 3 submissions from 3 submitters: Uncertain significance (3). Last evaluated 2025-02-14.

Conditions:
Inborn genetic diseases. Identifiers: MedGen C0950123, MeSH D030342.

Submissions (3):

Ambry Genetics
Classification: Uncertain significance for Inborn genetic diseases. Last evaluated: 2025-02-14. Review status: criteria provided, single submitter. Criteria: Ambry Variant Classification Scheme 2023. Collection method: clinical testing. Allele origin: germline.
Comment: The p.K1543N variant (also known as c.4629A>C), located in coding exon 1 of the SAMD9L gene, results from an A to C substitution at nucleotide position 4629. The lysine at codon 1543 is replaced by asparagine, an amino acid with similar properties. This amino acid position is conserved. In addition, this alteration is predicted to be tolerated by in silico analysis. Based on the available evidence, the clinical significance of this variant remains unclear.

Labcorp Genetics (formerly Invitae), Labcorp
Classification: Uncertain significance. Last evaluated: 2024-09-14. Review status: criteria provided, single submitter. Criteria: Invitae Variant Classification Sherloc (09022015). Collection method: clinical testing. Allele origin: germline.
Comment: This sequence change replaces lysine, which is basic and polar, with asparagine, which is neutral and polar, at codon 1543 of the SAMD9L protein (p.Lys1543Asn). This variant is present in population databases (rs201068807, gnomAD 0.002%). This variant has not been reported in the literature in individuals affected with SAMD9L-related conditions. ClinVar contains an entry for this variant (Variation ID: 2574197). An algorithm developed to predict the effect of missense changes on protein structure and function (PolyPhen-2) suggests that this variant is likely to be tolerated. In summary, the available evidence is currently insufficient to determine the role of this variant in disease. Therefore, it has been classified as a Variant of Uncertain Significance.

GeneDx
Classification: Uncertain significance. Last evaluated: 2023-01-31. Review status: criteria provided, single submitter. Criteria: GeneDx Variant Classification Process June 2021. Collection method: clinical testing. Allele origin: germline. Affected: yes.
Comment: Not observed at significant frequency in large population cohorts (gnomAD); In silico analysis supports that this missense variant does not alter protein structure/function; Has not been previously published as pathogenic or benign to our knowledge; This variant is associated with the following publications: (PMID: 28545555)

NM_152703.5(SAMD9L):c.4629A>C (p.Lys1543Asn)

Gene: SAMD9L (sterile alpha motif domain containing 9 like; minus strand). Cytogenetic location: 7q21.2.
Variant type: single nucleotide variant.
Coding change: c.4629A>C on transcript NM_152703.5 (MANE Select); coding-DNA position 4629, A replaced by C.
Protein change: p.Lys1543Asn; replaces lysine 1543 with asparagine.
Molecular consequence: missense variant.
Genome position (GRCh38, 1-based): chr7:93,131,343, T>G on the plus strand (A>C on the coding strand, the complement: SAMD9L is on the minus strand). VCF-style: chr7-93131343-T-G. GRCh37 (hg19) VCF-style: chr7-92760656-T-G.
Other names: c.4629A>C (NM_152703.2); c.4629A>C, p.Lys1543Asn (NM_001303496.3, NM_001303497.3, NM_001303498.3 and 5 more transcripts); short protein forms K1543N.
Identifiers: ClinVar variation 2574197 (VCV002574197.4), dbSNP rs201068807, ClinGen allele CA4343269.